The following is an entry in ClinVar:

ClinVar aggregate classification (germline): Likely benign (0 of 4 stars; one submission).

Conditions:
KIDINS220-related disorder. Also called: KIDINS220-related condition.

gnomAD v4.1: 74 of 1,596,340 alleles (0.0046%); highest among the groups gnomAD compares: Non-Finnish European, 0.0061%; no homozygotes.

Submission:

PreventionGenetics, part of Exact Sciences
Classification: Likely benign for KIDINS220-related condition. Last evaluated: 2021-08-16. Review status: no assertion criteria provided. Collection method: clinical testing. Allele origin: germline.
Comment: This variant is classified as likely benign based on ACMG/AMP sequence variant interpretation guidelines (Richards et al. 2015 PMID: 25741868, with internal and published modifications).

NM_020738.4(KIDINS220):c.3012-6152C>T

Gene: KIDINS220 (kinase D interacting substrate 220; minus strand). Cytogenetic location: 2p25.1.
Variant type: single nucleotide variant.
Coding change: c.3012-6152C>T on transcript NM_020738.4 (MANE Select); 6152 bases into the intron before coding-DNA position 3012, C replaced by T.
Molecular consequence: intron variant.
Genome position (GRCh38, 1-based): chr2:8,757,796, G>A on the plus strand (C>T on the coding strand, the complement: KIDINS220 is on the minus strand). VCF-style: chr2-8757796-G-A. GRCh37 (hg19) VCF-style: chr2-8897926-G-A.
Other names: c.3012-6152C>T (NM_001348741.2, NM_001348738.2, NM_001348742.2 and 3 more transcripts); c.3015-6152C>T (NM_001348739.2, NM_001348740.2, NM_001348734.2 and 2 more transcripts); c.2886-6152C>T (NM_001348736.2); c.3015-9C>T (NM_001348745.2).
Identifiers: ClinVar variation 3357237 (VCV003357237.1).